The following is an entry in ClinVar:

NM_005235.3(ERBB4):c.1328C>T (p.Thr443Ile)

Gene: ERBB4 (erb-b2 receptor tyrosine kinase 4; minus strand). Cytogenetic location: 2q34.
Variant type: single nucleotide variant.
Coding change: c.1328C>T on transcript NM_005235.3 (MANE Select); coding-DNA position 1328, C replaced by T.
Protein change: p.Thr443Ile; replaces threonine 443 with isoleucine.
Molecular consequence: missense variant.
Genome position (GRCh38, 1-based): chr2:211,702,128, G>A on the plus strand (C>T on the coding strand, the complement: ERBB4 is on the minus strand). VCF-style: chr2-211702128-G-A. GRCh37 (hg19) VCF-style: chr2-212566853-G-A.
Other names: c.1328C>T, p.Thr443Ile (NM_001042599.2); short protein forms T443I.
Identifiers: ClinVar variation 1506853 (VCV001506853.6), dbSNP rs1418847829, ClinGen allele CA350442522.

ClinVar aggregate classification (germline): Uncertain significance (1 of 4 stars; one submission).

Allele frequency attached by ClinVar (database versions not stated): gnomAD exomes 0.00001; TOPMed 0.00001.
gnomAD v4.1: 16 of 1,614,068 alleles (0.00099%); highest among the groups gnomAD compares: Non-Finnish European, 0.0014%; no homozygotes.

Submission:

Labcorp Genetics (formerly Invitae), Labcorp
Classification: Uncertain significance. Last evaluated: 2025-02-09. Review status: criteria provided, single submitter. Criteria: Invitae Variant Classification Sherloc (09022015). Collection method: clinical testing. Allele origin: germline.
Comment: This sequence change replaces threonine, which is neutral and polar, with isoleucine, which is neutral and non-polar, at codon 443 of the ERBB4 protein (p.Thr443Ile). This variant is present in population databases (no rsID available, gnomAD 0.003%). This variant has not been reported in the literature in individuals affected with ERBB4-related conditions. ClinVar contains an entry for this variant (Variation ID: 1506853). Invitae Evidence Modeling of protein sequence and biophysical properties (such as structural, functional, and spatial information, amino acid conservation, physicochemical variation, residue mobility, and thermodynamic stability) indicates that this missense variant is not expected to disrupt ERBB4 protein function with a negative predictive value of 80%. Algorithms developed to predict the effect of sequence changes on RNA splicing suggest that this variant may create or strengthen a splice site. In summary, the available evidence is currently insufficient to determine the role of this variant in disease. Therefore, it has been classified as a Variant of Uncertain Significance.